The following is an entry in ClinVar:

NM_176787.5(PIGN):c.713T>C (p.Val238Ala)

Gene: PIGN (phosphatidylinositol glycan anchor biosynthesis class N; minus strand). Cytogenetic location: 18q21.33.
Variant type: single nucleotide variant.
Coding change: c.713T>C on transcript NM_176787.5 (MANE Select); coding-DNA position 713, T replaced by C.
Protein change: p.Val238Ala; replaces valine 238 with alanine.
Molecular consequence: missense variant.
Genome position (GRCh38, 1-based): chr18:62,147,063, A>G on the plus strand (T>C on the coding strand, the complement: PIGN is on the minus strand). VCF-style: chr18-62147063-A-G. GRCh37 (hg19) VCF-style: chr18-59814296-A-G.
Other names: c.713T>C, p.Val238Ala (NM_012327.6); short protein forms V238A.
Identifiers: ClinVar variation 934073 (VCV000934073.9), dbSNP rs1235256343, ClinGen allele CA402601759.

ClinVar aggregate classification (germline): Uncertain significance (1 of 4 stars; one submission).

Conditions:
Multiple congenital anomalies-hypotonia-seizures syndrome 1 (MCAHS1). Also called: PIGN-CDG; Congenital disorder of glycosylation due to PIGN deficiency; GLYCOSYLPHOSPHATIDYLINOSITOL BIOSYNTHESIS DEFECT 3. Identifiers: Orphanet 280633, MedGen C3279775, MONDO:0013563, OMIM 614080.

Allele frequency attached by ClinVar (database versions not stated): gnomAD exomes below 0.00001.
gnomAD v4.1: 1 of 1,607,522 alleles (0.000062%); highest among the groups gnomAD compares: Admixed American, 0.0017%; no homozygotes.

Submission:

Labcorp Genetics (formerly Invitae), Labcorp
Classification: Uncertain significance for Multiple congenital anomalies-hypotonia-seizures syndrome 1. Last evaluated: 2022-02-13. Review status: criteria provided, single submitter. Criteria: Invitae Variant Classification Sherloc (09022015). Collection method: clinical testing. Allele origin: germline.
Comment: This variant is present in population databases (no rsID available, gnomAD 0.003%). This variant has not been reported in the literature in individuals affected with PIGN-related conditions. ClinVar contains an entry for this variant (Variation ID: 934073). Algorithms developed to predict the effect of missense changes on protein structure and function (SIFT, PolyPhen-2, Align-GVGD) all suggest that this variant is likely to be disruptive. In summary, the available evidence is currently insufficient to determine the role of this variant in disease. Therefore, it has been classified as a Variant of Uncertain Significance. This sequence change replaces valine, which is neutral and non-polar, with alanine, which is neutral and non-polar, at codon 238 of the PIGN protein (p.Val238Ala).